The following is an entry in ClinVar:

ClinVar aggregate classification (germline): Uncertain significance (1 of 4 stars; one submission).

gnomAD v4.1: 3 of 1,441,046 alleles (0.00021%); highest among the groups gnomAD compares: Non-Finnish European, 0.00027%; no homozygotes.

Submission:

Labcorp Genetics (formerly Invitae), Labcorp
Classification: Uncertain significance. Last evaluated: 2021-09-01. Review status: criteria provided, single submitter. Criteria: Invitae Variant Classification Sherloc (09022015). Collection method: clinical testing. Allele origin: germline.
Comment: This sequence change replaces arginine with cysteine at codon 164 of the DLL3 protein (p.Arg164Cys). The arginine residue is highly conserved and there is a large physicochemical difference between arginine and cysteine. The frequency data for this variant in the population databases is considered unreliable, as metrics indicate insufficient coverage at this position in the ExAC database. This variant has not been reported in the literature in individuals affected with DLL3-related conditions. Algorithms developed to predict the effect of missense changes on protein structure and function are either unavailable or do not agree on the potential impact of this missense change (SIFT: "Deleterious"; PolyPhen-2: "Probably Damaging"; Align-GVGD: "Class C0"). Algorithms developed to predict the effect of sequence changes on RNA splicing suggest that this variant may create or strengthen a splice site. In summary, the available evidence is currently insufficient to determine the role of this variant in disease. Therefore, it has been classified as a Variant of Uncertain Significance.

NM_203486.3(DLL3):c.490C>T (p.Arg164Cys)

Genes: DLL3 (delta like canonical Notch ligand 3; plus strand), LOC130064417 (ATAC-STARR-seq lymphoblastoid silent region 10608; plus strand). Cytogenetic location: 19q13.2.
Variant type: single nucleotide variant.
Coding change: c.490C>T on transcript NM_203486.3 (MANE Select); coding-DNA position 490, C replaced by T.
Protein change: p.Arg164Cys; replaces arginine 164 with cysteine.
Molecular consequence: missense variant.
Genome position (GRCh38, 1-based): chr19:39,502,895, C>T. VCF-style: chr19-39502895-C-T. GRCh37 (hg19) VCF-style: chr19-39993535-C-T.
Other names: c.490C>T, p.Arg164Cys (NM_016941.4); short protein forms R164C.
Identifiers: ClinVar variation 1418683 (VCV001418683.5), dbSNP rs2144759301, ClinGen allele CA405795554.
Genomic context (GRCh38, chr19:39,502,895, plus strand): 5'-GCGCGCGTGGCTGGCAGGCGGCGCTTGGCAGCCGGAGGCCCGTGGGCCCGGGACATTCAG[C>T]GCGCAGGCGCCTGGGAGCTGCGCTTCTCGTACCGCGCGCGCTGCGAGCCGCCTGCCGTCG-3'
Protein context (NP_982353.1, residues 154-174): AGGPWARDIQ[Arg164Cys]AGAWELRFSY